The following is an entry in ClinVar:

ClinVar aggregate classification (germline): Uncertain significance (1 of 4 stars; one submission).

Conditions:
Cardiovascular phenotype. Identifiers: MedGen CN230736.

Submission:

Ambry Genetics
Classification: Uncertain significance for Cardiovascular phenotype. Last evaluated: 2026-09-12. Review status: criteria provided, single submitter. Criteria: Ambry Variant Classification Scheme 2023. Collection method: clinical testing. Allele origin: germline.
Comment: The p.P82L variant (also known as c.245C>T), located in coding exon 2 of the COL1A1 gene, results from a C to T substitution at nucleotide position 245. The proline at codon 82 is replaced by leucine, an amino acid with similar properties. This amino acid position is conserved. In addition, this alteration is predicted to be tolerated by in silico analysis. Based on the available evidence, the clinical significance of this variant remains unclear.

NM_000088.4(COL1A1):c.245C>T (p.Pro82Leu)

Gene: COL1A1 (collagen type I alpha 1 chain; minus strand). Cytogenetic location: 17q21.33.
Variant type: single nucleotide variant.
Coding change: c.245C>T on transcript NM_000088.4 (MANE Select); coding-DNA position 245, C replaced by T.
Protein change: p.Pro82Leu; replaces proline 82 with leucine.
Molecular consequence: missense variant.
Genome position (GRCh38, 1-based): chr17:50,199,806, G>A on the plus strand (C>T on the coding strand, the complement: COL1A1 is on the minus strand). VCF-style: chr17-50199806-G-A. GRCh37 (hg19) VCF-style: chr17-48277167-G-A.
Other names: short protein forms P82L.
Identifiers: ClinVar variation 5034715 (VCV005034715.1).
Genomic context (GRCh38, chr17:50,199,806, plus strand): 5'-GCCGCACCTGAGCCGTCGGGGCAGACGGGACAGCACTCGCCCTCGGGGACTTCGGCGCCG[G>A]GGCAGTTCTTGGTCTCGTCACAGATCACGTCATCGCACAACACCTTGCCGTTGTCGCAGA-3'
Protein context (NP_000079.2, residues 72-92): DVICDETKNC[Pro82Leu]GAEVPEGECC